The following is an entry in ClinVar:

ClinVar aggregate classification (germline): Uncertain significance (1 of 4 stars; one submission).

Allele frequency attached by ClinVar (database versions not stated): TOPMed below 0.00001; ExAC 0.00001; gnomAD exomes 0.00001.
gnomAD v4.1: 7 of 1,599,048 alleles (0.00044%); highest among the groups gnomAD compares: South Asian, 0.0079%; no homozygotes.

Submission:

Labcorp Genetics (formerly Invitae), Labcorp
Classification: Uncertain significance. Last evaluated: 2022-10-14. Review status: criteria provided, single submitter. Criteria: Invitae Variant Classification Sherloc (09022015). Collection method: clinical testing. Allele origin: germline.
Comment: In summary, the available evidence is currently insufficient to determine the role of this variant in disease. Therefore, it has been classified as a Variant of Uncertain Significance. Algorithms developed to predict the effect of sequence changes on RNA splicing suggest that this variant may create or strengthen a splice site. This variant has not been reported in the literature in individuals affected with NAA15-related conditions. This variant is present in population databases (rs766272526, gnomAD 0.007%). This sequence change affects codon 75 of the NAA15 mRNA. It is a 'silent' change, meaning that it does not change the encoded amino acid sequence of the NAA15 protein.

NM_057175.5(NAA15):c.225T>C (p.Asn75=)

Gene: NAA15 (N-alpha-acetyltransferase 15, NatA auxiliary subunit; plus strand). Cytogenetic location: 4q31.1.
Variant type: single nucleotide variant.
Coding change: c.225T>C on transcript NM_057175.5 (MANE Select); coding-DNA position 225, T replaced by C.
Protein change: p.Asn75=; no amino-acid change (asparagine 75 retained).
Molecular consequence: synonymous variant.
Genome position (GRCh38, 1-based): chr4:139,336,933, T>C. VCF-style: chr4-139336933-T-C. GRCh37 (hg19) VCF-style: chr4-140258087-T-C.
Other names: c.225T>C, p.Asn75= (NM_001410842.1, NM_025085.2).
Identifiers: ClinVar variation 2120907 (VCV002120907.4), dbSNP rs766272526, ClinGen allele CA3083339.